The following is an entry in ClinVar:

ClinVar aggregate classification (germline): Uncertain significance (1 of 4 stars; one submission).

Conditions:
Early-onset Parkinson disease 20. Also called: PARKINSON DISEASE 20, AUTOSOMAL RECESSIVE EARLY-ONSET. Identifiers: Orphanet 391411, MedGen C3809824, MONDO:0014233, OMIM 615530.
Developmental and epileptic encephalopathy, 53. Also called: Epileptic encephalopathy, early infantile, 53. Identifiers: MedGen C4479313, MONDO:0033362, OMIM 617389.

gnomAD v4.1: 1 of 1,530,582 alleles (0.000065%); highest among the groups gnomAD compares: Middle Eastern, 0.017%; no homozygotes.

Submission:

Labcorp Genetics (formerly Invitae), Labcorp
Classification: Uncertain significance for Developmental and epileptic encephalopathy, 53; Early-onset Parkinson disease 20. Last evaluated: 2022-07-12. Review status: criteria provided, single submitter. Criteria: Invitae Variant Classification Sherloc (09022015). Collection method: clinical testing. Allele origin: germline.
Comment: In summary, the available evidence is currently insufficient to determine the role of this variant in disease. Therefore, it has been classified as a Variant of Uncertain Significance. Variants that disrupt the consensus splice site are a relatively common cause of aberrant splicing (PMID: 17576681, 9536098). Algorithms developed to predict the effect of sequence changes on RNA splicing suggest that this variant is not likely to affect RNA splicing. ClinVar contains an entry for this variant (Variation ID: 1350879). This variant has not been reported in the literature in individuals affected with SYNJ1-related conditions. This variant is not present in population databases (gnomAD no frequency). This sequence change falls in intron 6 of the SYNJ1 gene. It does not directly change the encoded amino acid sequence of the SYNJ1 protein. It affects a nucleotide within the consensus splice site.

Literature cited by the submitters: PubMed 17576681; PubMed 9536098.

NM_203446.3(SYNJ1):c.789+4T>A

Gene: SYNJ1 (synaptojanin 1; minus strand). Cytogenetic location: 21q22.11.
Variant type: single nucleotide variant.
Coding change: c.789+4T>A on transcript NM_203446.3 (MANE Select); 4 bases into the intron after coding-DNA position 789, T replaced by A.
Molecular consequence: intron variant.
Genome position (GRCh38, 1-based): chr21:32,694,224, A>T on the plus strand (T>A on the coding strand, the complement: SYNJ1 is on the minus strand). VCF-style: chr21-32694224-A-T. GRCh37 (hg19) VCF-style: chr21-34066534-A-T.
Other names: c.906+4T>A (NM_003895.4); c.789+4T>A (NM_001160302.2, NM_001160306.2).
Identifiers: ClinVar variation 1350879 (VCV001350879.6), dbSNP rs2146165562, ClinGen allele CA2573157396.
Genomic context (GRCh38, chr21:32,694,224, plus strand): 5'-CAGAAAGTTTAGAAAATATGAAAATTGTTCAAAAAACAAAAATAACTGAATGTCAAACAC[A>T]TACTTGCAACCCTGGTTGCTCCCAGAACAATGGAACAGATCCTCGGATTTGTATGAAGGA-3'